The following is an entry in ClinVar:

NM_004897.5(MINPP1):c.1299_1304dup (p.Gln435_Met436insValGln)

Genes: MINPP1 (multiple inositol-polyphosphate phosphatase 1; plus strand), LOC126860990 (CDK7 strongly-dependent group 2 enhancer GRCh37_chr10:89311461-89312660; plus strand). Cytogenetic location: 10q23.2.
Variant type: Duplication.
Coding change: c.1299_1304dup on transcript NM_004897.5 (MANE Select); coding-DNA positions 1299 to 1304, 6 bases duplicated (AGTGCA; older notation c.1299_1304dupAGTGCA).
Protein change: p.Gln435_Met436insValGln.
Molecular consequence: inframe insertion. On other transcripts: 3 prime UTR variant (1).
Genome position (GRCh38, 1-based): chr10:87,552,313-87,552,318, AGTGCA duplicated. VCF-style (leftmost placement, unchanged base first): chr10-87552312-G-GAGTGCA. GRCh37 (hg19) VCF-style: chr10-89312069-G-GAGTGCA.
Other names: c.*128_*133dup (NM_001178117.2); c.696_701dup, p.Gln234_Met235insValGln (NM_001178118.2).
Identifiers: ClinVar variation 4082280 (VCV004082280.1).

ClinVar aggregate classification (germline): Uncertain significance (1 of 4 stars; one submission).

Conditions:
Pontocerebellar hypoplasia, type 16. Identifiers: MedGen C5561987, MONDO:0030438, OMIM 619527.

Submission:

Medical Molecular Genetics, National Research Centre
Classification: Uncertain significance for Pontocerebellar hypoplasia, type 16. Last evaluated: 2025-08-01. Review status: criteria provided, single submitter. Criteria: ACMG Guidelines, 2015. Collection method: clinical testing. Allele origin: germline. Affected: yes. Observed: 1 variant allele.
Comment: In-frame duplication in critical functional domain; variant of uncertain significance (VOUS); absent in population databases; ACMG PM2, PM4 criteria met